The following is an entry in ClinVar:

ClinVar aggregate classification (germline): Likely benign. Review status: criteria provided, multiple submitters, no conflicts (2 of 4 stars). 4 submissions from 4 submitters: Likely benign (3). 1 of the submissions does not count toward it. Last evaluated 2026-01-24.

Conditions:
C3-related disorder. Also called: C3-related condition.
Complement component 3 deficiency. Identifiers: Orphanet 280133, MedGen C3151071, MONDO:0013417, OMIM 613779.
Age related macular degeneration 9. Identifiers: MedGen C1969651, MONDO:0012659, OMIM 611378.
Atypical hemolytic-uremic syndrome with C3 anomaly. Also called: AHUS, SUSCEPTIBILITY TO, 5. Identifiers: Orphanet 2134, MedGen C2752037, MONDO:0013043, OMIM 612925.

Allele frequency attached by ClinVar (database versions not stated): ESP Exome Variant Server 0.00015; TOPMed 0.00020; gnomAD 0.00021; gnomAD exomes 0.00021 and 0.00027; ExAC 0.00022.
gnomAD v4.1: 425 of 1,614,088 alleles (0.026%); highest among the groups gnomAD compares: Non-Finnish European, 0.034%; no homozygotes.

Submissions (4):

Labcorp Genetics (formerly Invitae), Labcorp
Classification: Likely benign. Last evaluated: 2026-01-24. Review status: criteria provided, single submitter. Criteria: Invitae Variant Classification Sherloc (09022015). Collection method: clinical testing. Allele origin: germline.

Blueprint Genetics
Classification: Likely benign. Last evaluated: 2024-02-22. Review status: criteria provided, single submitter. Criteria: ACMG Guidelines, 2015. Collection method: clinical testing. Allele origin: germline.

Fulgent Genetics
Classification: Likely benign for Age related macular degeneration 9; Atypical hemolytic-uremic syndrome with C3 anomaly; Complement component 3 deficiency. Last evaluated: 2021-10-19. Review status: criteria provided, single submitter. Criteria: ACMG Guidelines, 2015. Collection method: clinical testing. Allele origin: unknown.

PreventionGenetics, part of Exact Sciences
Classification: Likely benign for C3-related condition. Last evaluated: 2019-02-22. Review status: no assertion criteria provided. Collection method: clinical testing. Allele origin: germline. Not counted in ClinVar's aggregate classification.
Comment: This variant is classified as likely benign based on ACMG/AMP sequence variant interpretation guidelines (Richards et al. 2015 PMID: 25741868, with internal and published modifications).

NM_000064.4(C3):c.4791G>A (p.Glu1597=)

Gene: C3 (complement C3; minus strand). Cytogenetic location: 19p13.3.
Variant type: single nucleotide variant.
Coding change: c.4791G>A on transcript NM_000064.4 (MANE Select); coding-DNA position 4791, G replaced by A.
Protein change: p.Glu1597=; no amino-acid change (glutamic acid 1597 retained).
Molecular consequence: synonymous variant.
Genome position (GRCh38, 1-based): chr19:6,678,211, C>T on the plus strand (G>A on the coding strand, the complement: C3 is on the minus strand). VCF-style: chr19-6678211-C-T. GRCh37 (hg19) VCF-style: chr19-6678222-C-T.
Other names: c.4791G>A (NM_000064.3).
Identifiers: ClinVar variation 1093064 (VCV001093064.13), dbSNP rs149675330, ClinGen allele CA9128260.